The following is an entry in ClinVar:

NM_001042424.3(NSD2):c.228C>T (p.Ala76=)

Gene: NSD2 (nuclear receptor binding SET domain protein 2; plus strand). Cytogenetic location: 4p16.3.
Variant type: single nucleotide variant.
Coding change: c.228C>T on transcript NM_001042424.3 (MANE Select); coding-DNA position 228, C replaced by T.
Protein change: p.Ala76=; no amino-acid change (alanine 76 retained).
Molecular consequence: synonymous variant.
Genome position (GRCh38, 1-based): chr4:1,900,882, C>T. VCF-style: chr4-1900882-C-T. GRCh37 (hg19) VCF-style: chr4-1902609-C-T.
Other names: c.228C>T, p.Ala76= (NM_007331.2, NM_133330.3, NM_133331.3 and 2 more transcripts).
Identifiers: ClinVar variation 348422 (VCV000348422.36), dbSNP rs74665455, ClinGen allele CA2811843.

ClinVar aggregate classification (germline): Benign/Likely benign. Review status: criteria provided, multiple submitters, no conflicts (2 of 4 stars). 4 submissions from 4 submitters: Benign (2); Likely benign (1). 1 of the submissions does not count toward it. Last evaluated 2026-01-15.

Conditions:
NSD2-related disorder. Also called: NSD2-related condition; NSD2 related disorders.

Allele frequency attached by ClinVar (database versions not stated): gnomAD exomes 0.00042 and 0.00122; ExAC 0.00138; gnomAD 0.00430; 1000 Genomes Project 0.00439; TOPMed 0.00450; ESP Exome Variant Server 0.00454; 1000 Genomes Project 30x 0.00500.
gnomAD v4.1: 1,253 of 1,612,938 alleles (0.078%); highest among the groups gnomAD compares: African/African-American, 1.4%; 9 homozygotes.

Submissions (4):

Labcorp Genetics (formerly Invitae), Labcorp
Classification: Benign. Last evaluated: 2026-01-15. Review status: criteria provided, single submitter. Criteria: Invitae Variant Classification Sherloc (09022015). Collection method: clinical testing. Allele origin: germline.

CeGaT Center for Human Genetics Tuebingen
Classification: Likely benign. Last evaluated: 2025-03-01. Review status: criteria provided, single submitter. Criteria: CeGaT Center For Human Genetics Tuebingen Variant Classification Criteria Version 2. Collection method: clinical testing. Allele origin: germline. Affected: yes. Observed: 2 variant alleles.
Comment: NSD2: BP4, BP7, BS1

Breakthrough Genomics
Classification: Benign. Review status: criteria provided, single submitter. Criteria: ACMG Guidelines, 2015. Collection method: not provided. Allele origin: germline. Inheritance: Autosomal dominant inheritance. Affected: yes.

PreventionGenetics, part of Exact Sciences
Classification: Benign for NSD2-related condition. Last evaluated: 2019-08-14. Review status: no assertion criteria provided. Collection method: clinical testing. Allele origin: germline. Not counted in ClinVar's aggregate classification.
Comment: This variant is classified as benign based on ACMG/AMP sequence variant interpretation guidelines (Richards et al. 2015 PMID: 25741868, with internal and published modifications).